The following is an entry in ClinVar:

ClinVar aggregate classification (germline): Likely benign (0 of 4 stars; one submission).

Conditions:
BIRC6-related disorder. Also called: BIRC6-related condition.

Allele frequency attached by ClinVar (database versions not stated): 1000 Genomes Project 30x 0.00016; 1000 Genomes Project 0.00020; ESP Exome Variant Server 0.00115; gnomAD 0.00131; ExAC 0.00155.
gnomAD v4.1: 2,712 of 1,613,956 alleles (0.17%); highest among the groups gnomAD compares: Non-Finnish European, 0.2%; 6 homozygotes.

Submission:

PreventionGenetics, part of Exact Sciences
Classification: Likely benign for BIRC6-related condition. Last evaluated: 2019-07-19. Review status: no assertion criteria provided. Collection method: clinical testing. Allele origin: germline.
Comment: This variant is classified as likely benign based on ACMG/AMP sequence variant interpretation guidelines (Richards et al. 2015 PMID: 25741868, with internal and published modifications).

NM_016252.4(BIRC6):c.12411G>A (p.Ala4137=)

Gene: BIRC6 (baculoviral IAP repeat containing 6; plus strand). Cytogenetic location: 2p22.3.
Variant type: single nucleotide variant.
Coding change: c.12411G>A on transcript NM_016252.4 (MANE Select); coding-DNA position 12411, G replaced by A.
Protein change: p.Ala4137=; no amino-acid change (alanine 4137 retained).
Molecular consequence: synonymous variant.
Genome position (GRCh38, 1-based): chr2:32,543,360, G>A. VCF-style: chr2-32543360-G-A. GRCh37 (hg19) VCF-style: chr2-32768427-G-A.
Other names: c.12408G>A, p.Ala4136= (NM_001378125.1).
Identifiers: ClinVar variation 3042187 (VCV003042187.2), dbSNP rs148397523, ClinGen allele CA1605291.